The following is an entry in ClinVar:

ClinVar aggregate classification (germline): Likely benign (0 of 4 stars; one submission).

Conditions:
NRP2-related disorder. Also called: NRP2-related condition.

Allele frequency attached by ClinVar (database versions not stated): ExAC 0.00003; TOPMed 0.00003; gnomAD 0.00004.
gnomAD v4.1: 118 of 1,614,104 alleles (0.0073%); highest among the groups gnomAD compares: East Asian, 0.17%; 1 homozygote.

Submission:

PreventionGenetics, part of Exact Sciences
Classification: Likely benign for NRP2-related condition. Last evaluated: 2022-11-10. Review status: no assertion criteria provided. Collection method: clinical testing. Allele origin: germline.
Comment: This variant is classified as likely benign based on ACMG/AMP sequence variant interpretation guidelines (Richards et al. 2015 PMID: 25741868, with internal and published modifications).

NM_003872.3(NRP2):c.1041G>A (p.Ala347=)

Gene: NRP2 (neuropilin 2; plus strand). Cytogenetic location: 2q33.3.
Variant type: single nucleotide variant.
Coding change: c.1041G>A on transcript NM_003872.3 (MANE Select); coding-DNA position 1041, G replaced by A.
Protein change: p.Ala347=; no amino-acid change (alanine 347 retained).
Molecular consequence: synonymous variant.
Genome position (GRCh38, 1-based): chr2:205,727,941, G>A. VCF-style: chr2-205727941-G-A. GRCh37 (hg19) VCF-style: chr2-206592665-G-A.
Other names: c.1041G>A, p.Ala347= (NM_018534.4, NM_201264.2, NM_201266.2 and 2 more transcripts).
Identifiers: ClinVar variation 3056590 (VCV003056590.2), dbSNP rs762365618, ClinGen allele CA2069000.